The following is an entry in ClinVar:

ClinVar aggregate classification (germline): Uncertain significance (1 of 4 stars; one submission).

Conditions:
Malignant hyperthermia, susceptibility to, 1 (MHS1). Also called: RYR1-Related Malignant Hyperthermia Susceptibility; Malignant hyperthermia suceptibility 1; Anesthesia related hyperthermia; Malignant hyperpyrexia; Fulminating hyperpyrexia; Pharmacogenic myopathy. Identifiers: Orphanet 423, MedGen C2930980, MONDO:0007783, OMIM 145600.

Submission:

Color Diagnostics, LLC DBA Color Health
Classification: Uncertain significance for Malignant hyperthermia, susceptibility to, 1. Last evaluated: 2025-06-29. Review status: criteria provided, single submitter. Criteria: ACMG Guidelines, 2015. Collection method: clinical testing. Allele origin: germline.
Comment: This missense variant replaces arginine with serine at codon 628 of the RYR1 protein. Computational prediction suggests that this variant may have deleterious impact on protein structure and function. To our knowledge, functional studies have not been reported for this variant. This variant has not been reported in individuals affected with RYR1-related disorders in the literature. This variant has not been identified in the general population by the Genome Aggregation Database (gnomAD). The available evidence is insufficient to determine the role of this variant in disease conclusively. Therefore, this variant is classified as a Variant of Uncertain Significance.

NM_000540.3(RYR1):c.1882C>A (p.Arg628Ser)

Gene: RYR1 (ryanodine receptor 1; plus strand). Cytogenetic location: 19q13.2.
Variant type: single nucleotide variant.
Coding change: c.1882C>A on transcript NM_000540.3 (MANE Select); coding-DNA position 1882, C replaced by A.
Protein change: p.Arg628Ser; replaces arginine 628 with serine.
Molecular consequence: missense variant.
Genome position (GRCh38, 1-based): chr19:38,457,587, C>A. VCF-style: chr19-38457587-C-A. GRCh37 (hg19) VCF-style: chr19-38948227-C-A.
Other names: c.1882C>A, p.Arg628Ser (NM_001042723.2); short protein forms R628S.
Identifiers: ClinVar variation 4757628 (VCV004757628.1).